The following is an entry in ClinVar:

ClinVar aggregate classification (germline): Uncertain significance. Review status: criteria provided, multiple submitters, no conflicts (2 of 4 stars). 2 submissions from 2 submitters: Uncertain significance (2). Last evaluated 2024-01-08.

Conditions:
Epilepsy, familial adult myoclonic, 5 (EPEO5). Also called: CORTICAL MYOCLONIC TREMOR WITH EPILEPSY, FAMILIAL, 5. Identifiers: Orphanet 86814, MedGen C3809374, MONDO:0014167, OMIM 615400.

gnomAD v4.1: 9 of 1,614,100 alleles (0.00056%); highest among the groups gnomAD compares: Admixed American, 0.0017%; no homozygotes.

Submissions (2):

Ambry Genetics
Classification: Uncertain significance. Last evaluated: 2024-01-08. Review status: criteria provided, single submitter. Criteria: Ambry Variant Classification Scheme 2023. Collection method: clinical testing. Allele origin: germline.

Labcorp Genetics (formerly Invitae), Labcorp
Classification: Uncertain significance for Epilepsy, familial adult myoclonic, 5. Last evaluated: 2021-12-29. Review status: criteria provided, single submitter. Criteria: Invitae Variant Classification Sherloc (09022015). Collection method: clinical testing. Allele origin: germline.
Comment: This sequence change replaces isoleucine, which is neutral and non-polar, with valine, which is neutral and non-polar, at codon 474 of the CNTN2 protein (p.Ile474Val). This variant is present in population databases (no rsID available, gnomAD 0.003%). This variant has not been reported in the literature in individuals affected with CNTN2-related conditions. Advanced modeling of protein sequence and biophysical properties (such as structural, functional, and spatial information, amino acid conservation, physicochemical variation, residue mobility, and thermodynamic stability) performed at Invitae indicates that this missense variant is not expected to disrupt CNTN2 protein function. In summary, the available evidence is currently insufficient to determine the role of this variant in disease. Therefore, it has been classified as a Variant of Uncertain Significance.

NM_005076.5(CNTN2):c.1420A>G (p.Ile474Val)

Gene: CNTN2 (contactin 2; plus strand). Cytogenetic location: 1q32.1.
Variant type: single nucleotide variant.
Coding change: c.1420A>G on transcript NM_005076.5 (MANE Select); coding-DNA position 1420, A replaced by G.
Protein change: p.Ile474Val; replaces isoleucine 474 with valine.
Molecular consequence: missense variant. On other transcripts: non-coding transcript variant (1).
Genome position (GRCh38, 1-based): chr1:205,064,651, A>G. VCF-style: chr1-205064651-A-G. GRCh37 (hg19) VCF-style: chr1-205033779-A-G.
Other names: c.1420A>G, p.Ile474Val (NM_001346083.2); c.1420A>G (NM_005076.3); short protein forms I474V.
Identifiers: ClinVar variation 2201537 (VCV002201537.2), dbSNP rs770825119, ClinGen allele CA344375046.